The following is an entry in ClinVar:

ClinVar aggregate classification (germline): Pathogenic (1 of 4 stars; one submission).

Conditions:
Frontometaphyseal dysplasia (FMD1). Identifiers: Orphanet 1826, MedGen C0265293, MONDO:0015942.
Oto-palato-digital syndrome, type II (OPD2). Also called: FACIOPALATOOSSEOUS SYNDROME; OPD II SYNDROME; Otopalatodigital Syndrome, Type II; Otopalatodigital Syndrome Type 2 (FLNA-OPD2). Identifiers: Orphanet 669, Orphanet 90652, MedGen C1844696, MONDO:0010571, OMIM 304120.
Heterotopia, periventricular, X-linked dominant (PVNH1). Also called: PERIVENTRICULAR NODULAR HETEROTOPIA 1; X-linked periventricular heterotopia; PERIVENTRICULAR NODULAR HETEROTOPIA 4; HETEROTOPIA, PERIVENTRICULAR, 1. Identifiers: Orphanet 2149, Orphanet 82004, MedGen C1848213, MONDO:0010233, OMIM 300049.
Melnick-Needles syndrome (MNS). Also called: MELNICK-NEEDLES OSTEODYSPLASTY; OSTEODYSPLASTY OF MELNICK AND NEEDLES; Melnick-Needles Syndrome (FLNA-MNS). Identifiers: Orphanet 2484, MedGen C0025237, MONDO:0010650, OMIM 309350.

Submission:

Labcorp Genetics (formerly Invitae), Labcorp
Classification: Pathogenic for Oto-palato-digital syndrome, type II; Heterotopia, periventricular, X-linked dominant; Frontometaphyseal dysplasia; Melnick-Needles syndrome. Last evaluated: 2019-02-19. Review status: criteria provided, single submitter. Criteria: Invitae Variant Classification Sherloc (09022015). Collection method: clinical testing. Allele origin: germline.
Comment: This variant has not been reported in the literature in individuals with FLNA-related conditions. This sequence change creates a premature translational stop signal (p.Trp345*) in the FLNA gene. It is expected to result in an absent or disrupted protein product. This variant is not present in population databases (ExAC no frequency). Loss-of-function variants in FLNA are known to be pathogenic (PMID: 16684786, 20730588, 26471271). For these reasons, this variant has been classified as Pathogenic.

Literature cited by the submitters: PubMed 16684786; PubMed 20730588; PubMed 26471271.

NM_001110556.2(FLNA):c.1034G>A (p.Trp345Ter)

Gene: FLNA (filamin A; minus strand). Cytogenetic location: Xq28.
Variant type: single nucleotide variant.
Coding change: c.1034G>A on transcript NM_001110556.2 (MANE Select); coding-DNA position 1034, G replaced by A.
Protein change: p.Trp345Ter; replaces tryptophan 345 with a stop codon.
Molecular consequence: nonsense.
Genome position (GRCh38, 1-based): chrX:154,366,593, C>T on the plus strand (G>A on the coding strand, the complement: FLNA is on the minus strand). VCF-style: chrX-154366593-C-T. GRCh37 (hg19) VCF-style: chrX-153594961-C-T.
Other names: c.1034G>A, p.Trp345Ter (NM_001456.4); short protein forms W345*.
Identifiers: ClinVar variation 853726 (VCV000853726.8), dbSNP rs2067763458, ClinGen allele CA415247113.